The following is an entry in ClinVar:

NM_001430.5(EPAS1):c.1436G>C (p.Cys479Ser)

Gene: EPAS1 (endothelial PAS domain protein 1; plus strand). Cytogenetic location: 2p21.
Variant type: single nucleotide variant.
Coding change: c.1436G>C on transcript NM_001430.5 (MANE Select); coding-DNA position 1436, G replaced by C.
Protein change: p.Cys479Ser; replaces cysteine 479 with serine.
Molecular consequence: missense variant.
Genome position (GRCh38, 1-based): chr2:46,378,080, G>C. VCF-style: chr2-46378080-G-C. GRCh37 (hg19) VCF-style: chr2-46605219-G-C.
Other names: short protein forms C479S.
Identifiers: ClinVar variation 2497573 (VCV002497573.2), dbSNP rs2103667849, ClinGen allele CA346704083.

ClinVar aggregate classification (germline): Uncertain significance (1 of 4 stars; one submission).

Conditions:
Inborn genetic diseases. Identifiers: MedGen C0950123, MeSH D030342.

Submission:

Ambry Genetics
Classification: Uncertain significance for Inborn genetic diseases. Last evaluated: 2023-03-03. Review status: criteria provided, single submitter. Criteria: Ambry Variant Classification Scheme 2023. Collection method: clinical testing. Allele origin: germline.
Comment: The p.C479S variant (also known as c.1436G>C), located in coding exon 10 of the EPAS1 gene, results from a G to C substitution at nucleotide position 1436. The cysteine at codon 479 is replaced by serine, an amino acid with dissimilar properties. This amino acid position is conserved. In addition, the in silico prediction for this alteration is inconclusive. Since supporting evidence is limited at this time, the clinical significance of this alteration remains unclear.